The following is an entry in ClinVar:

NM_000217.3(KCNA1):c.416A>G (p.Glu139Gly)

Gene: KCNA1 (potassium voltage-gated channel subfamily A member 1; plus strand). Cytogenetic location: 12p13.32.
Variant type: single nucleotide variant.
Coding change: c.416A>G on transcript NM_000217.3 (MANE Select); coding-DNA position 416, A replaced by G.
Protein change: p.Glu139Gly; replaces glutamic acid 139 with glycine.
Molecular consequence: missense variant.
Genome position (GRCh38, 1-based): chr12:4,911,794, A>G. VCF-style: chr12-4911794-A-G. GRCh37 (hg19) VCF-style: chr12-5020960-A-G.
Other names: short protein forms E139G.
Identifiers: ClinVar variation 4739175 (VCV004739175.1).

ClinVar aggregate classification (germline): Uncertain significance (1 of 4 stars; one submission).

Conditions:
Episodic ataxia type 1 (EA1). Also called: ATAXIA, EPISODIC, WITH MYOKYMIA; MYOKYMIA WITH PERIODIC ATAXIA; PAROXYSMAL ATAXIA WITH NEUROMYOTONIA, HEREDITARY; Episodic ataxia/myokymia syndrome. Identifiers: Orphanet 37612, Orphanet 972, MedGen C1719788, MONDO:0008047, OMIM 160120.

gnomAD v4.1: 5 of 1,613,898 alleles (0.00031%); highest among the groups gnomAD compares: Non-Finnish European, 0.00042%; no homozygotes.

Submission:

Labcorp Genetics (formerly Invitae), Labcorp
Classification: Uncertain significance for Episodic ataxia type 1. Last evaluated: 2025-05-23. Review status: criteria provided, single submitter. Criteria: Invitae Variant Classification Sherloc (09022015). Collection method: clinical testing. Allele origin: germline.
Comment: This sequence change replaces glutamic acid, which is acidic and polar, with glycine, which is neutral and non-polar, at codon 139 of the KCNA1 protein (p.Glu139Gly). This variant is not present in population databases (gnomAD no frequency). This variant has not been reported in the literature in individuals affected with KCNA1-related conditions. Invitae Evidence Modeling of protein sequence and biophysical properties (such as structural, functional, and spatial information, amino acid conservation, physicochemical variation, residue mobility, and thermodynamic stability) indicates that this missense variant is expected to disrupt KCNA1 protein function with a positive predictive value of 95%. In summary, the available evidence is currently insufficient to determine the role of this variant in disease. Therefore, it has been classified as a Variant of Uncertain Significance.